The following is an entry in ClinVar:

ClinVar aggregate classification (germline): Uncertain significance (1 of 4 stars; one submission).

Conditions:
Cardiovascular phenotype. Identifiers: MedGen CN230736.

Allele frequency attached by ClinVar (database versions not stated): TOPMed 0.00001.

Submission:

Ambry Genetics
Classification: Uncertain significance for Cardiovascular phenotype. Last evaluated: 2020-09-02. Review status: criteria provided, single submitter. Criteria: Ambry Variant Classification Scheme 2023. Collection method: clinical testing. Allele origin: germline.
Comment: The p.R396T variant (also known as c.1187G>C), located in coding exon 13 of the CACNA2D1 gene, results from a G to C substitution at nucleotide position 1187. The arginine at codon 396 is replaced by threonine, an amino acid with similar properties. This amino acid position is not well conserved in available vertebrate species. In addition, the in silico prediction for this alteration is inconclusive. Since supporting evidence is limited at this time, the clinical significance of this alteration remains unclear.

NM_000722.4(CACNA2D1):c.1187G>C (p.Arg396Thr)

Genes: CACNA2D1 (calcium voltage-gated channel auxiliary subunit alpha2delta 1; minus strand), CACNA2D1-AS1 (CACNA2D1 antisense RNA 1; plus strand). Cytogenetic location: 7q21.11.
Variant type: single nucleotide variant.
Coding change: c.1187G>C on transcript NM_000722.4 (MANE Select); coding-DNA position 1187, G replaced by C.
Protein change: p.Arg396Thr; replaces arginine 396 with threonine.
Molecular consequence: missense variant.
Genome position (GRCh38, 1-based): chr7:82,014,436, C>G on the plus strand (G>C on the coding strand, the complement: CACNA2D1 is on the minus strand). VCF-style: chr7-82014436-C-G. GRCh37 (hg19) VCF-style: chr7-81643752-C-G.
Other names: c.1187G>C, p.Arg396Thr (NM_001366867.1); short protein forms R396T.
Identifiers: ClinVar variation 1743803 (VCV001743803.2), dbSNP rs1800178573, ClinGen allele CA367878178.